The following is an entry in ClinVar:

NM_004706.4(ARHGEF1):c.488T>C (p.Met163Thr)

Gene: ARHGEF1 (Rho guanine nucleotide exchange factor 1; plus strand). Cytogenetic location: 19q13.2.
Variant type: single nucleotide variant.
Coding change: c.488T>C on transcript NM_004706.4 (MANE Select); coding-DNA position 488, T replaced by C.
Protein change: p.Met163Thr; replaces methionine 163 with threonine.
Molecular consequence: missense variant. On other transcripts: non-coding transcript variant (2).
Genome position (GRCh38, 1-based): chr19:41,892,723, T>C. VCF-style: chr19-41892723-T-C. GRCh37 (hg19) VCF-style: chr19-42396794-T-C.
Other names: c.488T>C, p.Met163Thr (NM_001396000.1, NM_001396003.1, NM_001396006.1); c.389T>C, p.Met130Thr (NM_001396002.1, NM_001396004.1, NM_198977.2); c.533T>C, p.Met178Thr (NM_199002.2); short protein forms M178T, M163T, M130T.
Identifiers: ClinVar variation 4710591 (VCV004710591.1).

ClinVar aggregate classification (germline): Uncertain significance (1 of 4 stars; one submission).

Submission:

Labcorp Genetics (formerly Invitae), Labcorp
Classification: Uncertain significance. Last evaluated: 2025-10-07. Review status: criteria provided, single submitter. Criteria: Invitae Variant Classification Sherloc (09022015). Collection method: clinical testing. Allele origin: germline.
Comment: This sequence change replaces methionine, which is neutral and non-polar, with threonine, which is neutral and polar, at codon 178 of the ARHGEF1 protein (p.Met178Thr). This variant is not present in population databases (gnomAD no frequency). This variant has not been reported in the literature in individuals affected with ARHGEF1-related conditions. An algorithm developed to predict the effect of missense changes on protein structure and function (PolyPhen-2) suggests that this variant is likely to be tolerated. In summary, the available evidence is currently insufficient to determine the role of this variant in disease. Therefore, it has been classified as a Variant of Uncertain Significance.